The following is an entry in ClinVar:

NM_000719.7(CACNA1C):c.6388G>A (p.Asp2130Asn)

Gene: CACNA1C (calcium voltage-gated channel subunit alpha1 C; plus strand). Cytogenetic location: 12p13.33.
Variant type: single nucleotide variant.
Coding change: c.6388G>A on transcript NM_000719.7 (MANE Select); coding-DNA position 6388, G replaced by A.
Protein change: p.Asp2130Asn; replaces aspartic acid 2130 with asparagine.
Molecular consequence: missense variant.
Genome position (GRCh38, 1-based): chr12:2,691,170, G>A. VCF-style: chr12-2691170-G-A. GRCh37 (hg19) VCF-style: chr12-2800336-G-A.
Other names: p.D2130N:GAC>AAC; c.6388G>A (LRG_334t1); c.6532G>A, p.Asp2178Asn (NM_001129827.2); c.6511G>A, p.Asp2171Asn (NM_001129829.2); c.6493G>A, p.Asp2165Asn (NM_001129830.3, NM_001167624.3); c.6472G>A, p.Asp2158Asn (NM_001129831.2); c.6448G>A, p.Asp2150Asn (NM_001129832.2); c.6445G>A, p.Asp2149Asn (NM_001129833.2, NM_001129834.2, NM_001129835.2); and 8 more; short protein forms D2130N, D2165N, D2178N, D2149N, D2171N, D2136N, D2190N, D2127N.
Identifiers: ClinVar variation 67557 (VCV000067557.24), dbSNP rs199473392, ClinGen allele CA264837.
Genomic context (GRCh38, chr12:2,691,170, plus strand): 5'-GGCGAAGAGGACGCGGGCTGTGTGCGCGCGCGGGGTCGACCGAGTGAGGAGGAGCTCCAG[G>A]ACAGCAGGGTCTACGTCAGCAGCCTGTAGTGGGCGCTGCCAGATGCGGGCTTTTTTTTAT-3'
Protein context (NP_000710.5, residues 2120-2138): RGRPSEEELQ[Asp2130Asn]SRVYVSSL

ClinVar aggregate classification (germline): Conflicting classifications of pathogenicity. Review status: criteria provided, conflicting classifications (1 of 4 stars). 8 submissions from 8 submitters: Uncertain significance (3); Likely benign (4). 1 of the submissions does not count toward it. Last evaluated 2026-06-17.

Conditions:
CACNA1C-related disorder. Also called: CACNA1C-related disorders; CACNA1C-related condition. Identifiers: MedGen CN381092, MONDO:0700321.
Cardiovascular phenotype. Identifiers: MedGen CN230736.
Brugada syndrome. Also called: Sudden Unexplained Death Syndrome; Sudden Unexplained Nocturnal Death Syndrome (SUNDS); Sudden unexplained nocturnal death syndrome; Sudden unexpected nocturnal death syndrome. Identifiers: Orphanet 130, MedGen C1142166, MONDO:0015263.
Long QT syndrome (LQTS). Identifiers: MedGen C0023976, MeSH D008133, MONDO:0002442. Disease mechanism: loss of function. Inheritance: Various modes of inheritance.
Timothy syndrome (TS). Also called: LONG QT SYNDROME WITH SYNDACTYLY. Identifiers: Orphanet 65283, MedGen C1832916, MeSH C536962, MONDO:0010979, OMIM 601005.

Allele frequency attached by ClinVar (database versions not stated): TOPMed 0.00004; gnomAD 0.00005 and 0.00007; ExAC 0.00009; gnomAD exomes 0.00012.
gnomAD v4.1: 94 of 1,598,160 alleles (0.0059%); highest among the groups gnomAD compares: Middle Eastern, 0.02%; no homozygotes.

Submissions (8):

PreventionGenetics, part of Exact Sciences
Classification: Likely benign for CACNA1C-related condition. Last evaluated: 2026-06-17. Review status: criteria provided, single submitter. Criteria: ACMG Guidelines, 2015. Collection method: clinical testing. Allele origin: germline.
Comment: This variant is classified as likely benign based on ACMG/AMP sequence variant interpretation guidelines (Richards et al. 2015 PMID: 25741868, with internal and published modifications).

Labcorp Genetics (formerly Invitae), Labcorp
Classification: Likely benign for Long QT syndrome. Last evaluated: 2026-01-19. Review status: criteria provided, single submitter. Criteria: Invitae Variant Classification Sherloc (09022015). Collection method: clinical testing. Allele origin: germline.

CeGaT Center for Human Genetics Tuebingen
Classification: Likely benign. Last evaluated: 2025-05-01. Review status: criteria provided, single submitter. Criteria: CeGaT Center For Human Genetics Tuebingen Variant Classification Criteria Version 2. Collection method: clinical testing. Allele origin: germline. Affected: yes. Observed: 1 variant allele.
Comment: CACNA1C: BP4

Ambry Genetics
Classification: Likely benign for Cardiovascular phenotype. Last evaluated: 2020-08-12. Review status: criteria provided, single submitter. Criteria: Ambry Variant Classification Scheme 2023. Collection method: clinical testing. Allele origin: germline.

MVZ Martinsried, Medicover Genetics
Classification: Uncertain significance for Timothy syndrome. Last evaluated: 2017-11-23. Review status: criteria provided, single submitter. Criteria: ACMG Guidelines, 2015. Collection method: clinical testing. Allele origin: unknown. Affected: yes.

GeneDx
Classification: Uncertain significance. Last evaluated: 2015-06-16. Review status: criteria provided, single submitter. Criteria: GeneDx Variant Classification (06012015). Collection method: clinical testing. Allele origin: germline. Affected: yes.
Comment: The D2130N variant in the CACNA1C gene has been reported in association with Brugada syndrome (Burashnikov E et al., 2010). This study identified D2130N in one individual with Brugada syndrome who also harbored a mutation in the KCNE2 gene. D2130N is located in the C-terminal region of the protein at a position that is highly conserved and it was not observed in at least 400 control alleles (Burashnikov E et al., 2010). Nevertheless, no proven pathogenic mutations have been reported in this region of the protein (Stenson et al., 2014). Based on the available molecular the clinical significance of the D2130N variant in the CACNA1C gene remains unknown.

Biesecker Lab/Clinical Genomics Section, National Institutes of Health
Classification: Uncertain significance. Last evaluated: 2013-06-24. Review status: criteria provided, single submitter. Criteria: Ng et al. (Circ Cardiovasc Genet. 2013). Collection method: research. Allele origin: unknown. Observed: 1 variant allele. Study: ClinSeq.
Comment: The study set was not selected for affection status in relation to any cancer. Pathogenicity categories were based on literature curation. See Pubmed ID:23861362 for details.

Medical sequencing

Cardiovascular Biomedical Research Unit, Royal Brompton & Harefield NHS Foundation Trust
No classification provided. Condition: Brugada syndrome. Review status: no classification provided. Collection method: literature only. Allele origin: germline. Not counted in ClinVar's aggregate classification.
Comment: This variant has been reported as associated with Brugada syndrome in the following publications (PMID:20817017). This is a literature report, and does not necessarily reflect the clinical interpretation of the Imperial College / Royal Brompton Cardiovascular Genetics laboratory.

Literature cited by the submitters: PubMed 20817017 (cited by Ambry Genetics and Cardiovascular Biomedical Research Unit, Royal Brompton & Harefield NHS Foundation Trust); PubMed 23861362 (cited by Ambry Genetics); PubMed 22581653 (cited by Cardiovascular Biomedical Research Unit, Royal Brompton & Harefield NHS Foundation Trust).